The following is an entry in ClinVar:

ClinVar aggregate classification (germline): Likely benign (1 of 4 stars; one submission).

Submission:

GeneDx
Classification: Likely benign. Last evaluated: 2020-12-05. Review status: criteria provided, single submitter. Criteria: GeneDx Variant Classification Process June 2021. Collection method: clinical testing. Allele origin: germline. Affected: yes.
Comment: See Variant Classification Assertion Criteria.

NC_000001.11:g.220093909_220093910insATATA

Gene: IARS2 (isoleucyl-tRNA synthetase 2, mitochondrial; plus strand). Cytogenetic location: 1q41.
Variant type: Insertion.
Genome position: GRCh38 VCF-style: chr1-220093908-A-AAATAT. GRCh37 (hg19) VCF-style: chr1-220267250-A-AAATAT.
Identifiers: ClinVar variation 1710879 (VCV001710879.3), dbSNP rs1353296912, ClinGen allele CA529059992.